The following is an entry in ClinVar:

ClinVar aggregate classification (germline): Uncertain significance. Review status: criteria provided, multiple submitters, no conflicts (2 of 4 stars). 2 submissions from 2 submitters: Uncertain significance (2). Last evaluated 2025-03-08.

Conditions:
Inborn genetic diseases. Identifiers: MedGen C0950123, MeSH D030342.
Baller-Gerold syndrome (BGS). Also called: CRANIOSYNOSTOSIS WITH RADIAL DEFECTS. Identifiers: Orphanet 1225, MedGen C0265308, MONDO:0009039, OMIM 218600.

Submissions (2):

Ambry Genetics
Classification: Uncertain significance for Inborn genetic diseases. Last evaluated: 2025-03-08. Review status: criteria provided, single submitter. Criteria: Ambry Variant Classification Scheme 2023. Collection method: clinical testing. Allele origin: germline.
Comment: The p.Q281R variant (also known as c.842A>G), located in coding exon 5 of the RECQL4 gene, results from an A to G substitution at nucleotide position 842. The glutamine at codon 281 is replaced by arginine, an amino acid with highly similar properties. This amino acid position is conserved. In addition, this alteration is predicted to be tolerated by in silico analysis. Based on the available evidence, the clinical significance of this variant remains unclear.

Labcorp Genetics (formerly Invitae), Labcorp
Classification: Uncertain significance for Baller-Gerold syndrome. Last evaluated: 2023-10-22. Review status: criteria provided, single submitter. Criteria: Invitae Variant Classification Sherloc (09022015). Collection method: clinical testing. Allele origin: germline.
Comment: This sequence change replaces glutamine, which is neutral and polar, with arginine, which is basic and polar, at codon 281 of the RECQL4 protein (p.Gln281Arg). This variant is not present in population databases (gnomAD no frequency). This variant has not been reported in the literature in individuals affected with RECQL4-related conditions. Advanced modeling of protein sequence and biophysical properties (such as structural, functional, and spatial information, amino acid conservation, physicochemical variation, residue mobility, and thermodynamic stability) performed at Invitae indicates that this missense variant is not expected to disrupt RECQL4 protein function. In summary, the available evidence is currently insufficient to determine the role of this variant in disease. Therefore, it has been classified as a Variant of Uncertain Significance.

NM_004260.4(RECQL4):c.842A>G (p.Gln281Arg)

Gene: RECQL4 (RecQ like helicase 4; minus strand). Cytogenetic location: 8q24.3.
Variant type: single nucleotide variant.
Coding change: c.842A>G on transcript NM_004260.4 (MANE Select); coding-DNA position 842, A replaced by G.
Protein change: p.Gln281Arg; replaces glutamine 281 with arginine.
Molecular consequence: missense variant. On other transcripts: 5 prime UTR variant (17), non-coding transcript variant (3).
Genome position (GRCh38, 1-based): chr8:144,516,277, T>C on the plus strand (A>G on the coding strand, the complement: RECQL4 is on the minus strand). VCF-style: chr8-144516277-T-C. GRCh37 (hg19) VCF-style: chr8-145741661-T-C.
Other names: c.842A>G (NM_004260.3); c.842A>G, p.Gln281Arg (NM_001413017.1, NM_001413018.1, NM_001413019.1 and 4 more transcripts); c.-230A>G (NM_001413021.1, NM_001413022.1, NM_001413023.1 and 7 more transcripts); c.713A>G, p.Gln238Arg (NM_001413025.1); c.-292A>G (NM_001413027.1, NM_001413030.1, NM_001413031.1 and 2 more transcripts); c.491A>G, p.Gln164Arg (NM_001413029.1); c.-134A>G (NM_001413034.1); c.-499A>G (NM_001413043.1); short protein forms Q238R, Q281R, Q164R.
Identifiers: ClinVar variation 2723563 (VCV002723563.4), dbSNP rs2538088679, ClinGen allele CA372688984.